The following is an entry in ClinVar:

ClinVar aggregate classification (germline): Likely benign (0 of 4 stars; one submission).

Conditions:
PLXNA4-related disorder. Also called: PLXNA4-related condition.

Allele frequency attached by ClinVar (database versions not stated): gnomAD exomes 0.00019; ExAC 0.00058; gnomAD 0.00152; TOPMed 0.00176; ESP Exome Variant Server 0.00215; 1000 Genomes Project 0.00240; 1000 Genomes Project 30x 0.00281.
gnomAD v4.1: 515 of 1,614,144 alleles (0.032%); highest among the groups gnomAD compares: African/African-American, 0.63%; 3 homozygotes.

Submission:

PreventionGenetics, part of Exact Sciences
Classification: Likely benign for PLXNA4-related condition. Last evaluated: 2021-09-14. Review status: no assertion criteria provided. Collection method: clinical testing. Allele origin: germline.
Comment: This variant is classified as likely benign based on ACMG/AMP sequence variant interpretation guidelines (Richards et al. 2015 PMID: 25741868, with internal and published modifications).

NM_020911.2(PLXNA4):c.1371+4431G>A

Gene: PLXNA4 (plexin A4; minus strand). Cytogenetic location: 7q32.3.
Variant type: single nucleotide variant.
Coding change: c.1371+4431G>A on transcript NM_020911.2 (MANE Select); 4431 bases into the intron after coding-DNA position 1371, G replaced by A.
Molecular consequence: intron variant. On other transcripts: synonymous variant (1).
Genome position (GRCh38, 1-based): chr7:132,484,861, C>T on the plus strand (G>A on the coding strand, the complement: PLXNA4 is on the minus strand). VCF-style: chr7-132484861-C-T. GRCh37 (hg19) VCF-style: chr7-132169620-C-T.
Other names: c.1524G>A, p.Gln508= (NM_181775.4); c.1371+4431G>A (NM_001393897.1, NM_001105543.2).
Identifiers: ClinVar variation 3051080 (VCV003051080.2), dbSNP rs76127993, ClinGen allele CA4490236.